The following is an entry in ClinVar:

ClinVar aggregate classification (germline): Uncertain significance (1 of 4 stars; one submission).

Conditions:
Hereditary cancer-predisposing syndrome. Also called: Neoplastic Syndromes, Hereditary; Tumor predisposition; Hereditary Cancer Syndrome; Hereditary neoplastic syndrome. Identifiers: Orphanet 140162, MedGen C0027672, MeSH D009386, MONDO:0015356.

gnomAD v4.1: 2 of 1,613,866 alleles (0.00012%); highest among the groups gnomAD compares: Non-Finnish European, 0.00017%; no homozygotes.

Submission:

Ambry Genetics
Classification: Uncertain significance for Hereditary cancer-predisposing syndrome. Last evaluated: 2025-11-12. Review status: criteria provided, single submitter. Criteria: Ambry Variant Classification Scheme 2023. Collection method: clinical testing. Allele origin: germline.
Comment: The p.S584N variant (also known as c.1751G>A), located in coding exon 16 of the NF2 gene, results from a G to A substitution at nucleotide position 1751. The serine at codon 584 is replaced by asparagine, an amino acid with highly similar properties. This amino acid position is highly conserved in available vertebrate species. In addition, this alteration is predicted to be tolerated by in silico analysis. Based on the available evidence, the clinical significance of this variant remains unclear.

NM_000268.4(NF2):c.1751G>A (p.Ser584Asn)

Gene: NF2 (NF2, moesin-ezrin-radixin like (MERLIN) tumor suppressor; plus strand). Cytogenetic location: 22q12.2.
Variant type: single nucleotide variant.
Coding change: c.1751G>A on transcript NM_000268.4 (MANE Select); coding-DNA position 1751, G replaced by A.
Protein change: p.Ser584Asn; replaces serine 584 with asparagine.
Molecular consequence: missense variant. On other transcripts: 3 prime UTR variant (11), non-coding transcript variant (1).
Genome position (GRCh38, 1-based): chr22:29,694,765, G>A. VCF-style: chr22-29694765-G-A. GRCh37 (hg19) VCF-style: chr22-30090754-G-A.
Other names: c.1637G>A, p.Ser546Asn (NM_001407053.1); c.1628G>A, p.Ser543Asn (NM_001407054.1); c.1625G>A, p.Ser542Asn (NM_001407055.1); c.*23G>A (NM_001407056.1, NM_001407059.1, NM_001407065.1 and 5 more transcripts); c.1616G>A, p.Ser539Asn (NM_001407057.1); c.*38G>A (NM_001407058.1, NM_001407063.1, NM_181832.3); c.1588G>A, p.Ala530Thr (NM_001407060.1); c.1493G>A, p.Ser498Asn (NM_001407062.1); and 2 more; short protein forms S498N, A447T, A530T, S543N, S154N, S542N, S584N, S539N.
Identifiers: ClinVar variation 4661071 (VCV004661071.1).